The following is an entry in ClinVar:

NM_001365951.3(KIF1B):c.2143C>T (p.Gln715Ter)

Gene: KIF1B (kinesin family member 1B; plus strand). Cytogenetic location: 1p36.22.
Variant type: single nucleotide variant.
Coding change: c.2143C>T on transcript NM_001365951.3 (MANE Select); coding-DNA position 2143, C replaced by T.
Protein change: p.Gln715Ter; replaces glutamine 715 with a stop codon.
Molecular consequence: nonsense.
Genome position (GRCh38, 1-based): chr1:10,320,070, C>T. VCF-style: chr1-10320070-C-T. GRCh37 (hg19) VCF-style: chr1-10380128-C-T.
Other names: c.2143C>T, p.Gln715Ter (NM_001365952.1); c.2005C>T, p.Gln669Ter (NM_015074.3); short protein forms Q669*, Q715*.
Identifiers: ClinVar variation 3864035 (VCV003864035.1).
Genomic context (GRCh38, chr1:10,320,070, plus strand): 5'-CTCCTACATGTTATCTCCTTTCTTTTCATTCAGGACTATGAGAGTAAATTGCAGGCCTTG[C>T]AGAAGCAGGTTGAAACCCGATCTCTGGCTGCAGAAACAACTGAAGAGGAGGAAGAAGAGG-3'

ClinVar aggregate classification (germline): Uncertain significance (1 of 4 stars; one submission).

Submission:

Ambry Genetics
Classification: Uncertain significance. Last evaluated: 2025-01-08. Review status: criteria provided, single submitter. Criteria: Ambry Variant Classification Scheme 2023. Collection method: clinical testing. Allele origin: germline.
Comment: The p.Q669* variant (also known as c.2005C>T), located in coding exon 20 of the KIF1B gene, results from a C to T substitution at nucleotide position 2005. This changes the amino acid from a glutamine to a stop codon within coding exon 20. This alteration is expected to result in loss of function by premature protein truncation or nonsense-mediated mRNA decay. The evidence for this gene-disease relationship is limited; therefore, the clinical significance of this alteration is unclear.